The following is an entry in ClinVar:

ClinVar aggregate classification (germline): Uncertain significance. Review status: criteria provided, multiple submitters, no conflicts (2 of 4 stars). 2 submissions from 2 submitters: Uncertain significance (2). Last evaluated 2020-10-05.

Conditions:
Cardiovascular phenotype. Identifiers: MedGen CN230736.
Dilated cardiomyopathy 1JJ (CMD1JJ). Identifiers: Orphanet 154, MedGen C3808935, MONDO:0014095, OMIM 615235.

Allele frequency attached by ClinVar (database versions not stated): gnomAD exomes below 0.00001; ExAC 0.00001; gnomAD 0.00001; TOPMed 0.00001; ESP Exome Variant Server 0.00008.
gnomAD v4.1: 4 of 1,613,886 alleles (0.00025%); highest among the groups gnomAD compares: African/African-American, 0.0027%; no homozygotes.

Submissions (2):

Ambry Genetics
Classification: Uncertain significance for Cardiovascular phenotype. Last evaluated: 2020-10-05. Review status: criteria provided, single submitter. Criteria: Ambry Variant Classification Scheme 2023. Collection method: clinical testing. Allele origin: germline.
Comment: The p.K112R variant (also known as c.335A>G), located in coding exon 3 of the LAMA4 gene, results from an A to G substitution at nucleotide position 335. The lysine at codon 112 is replaced by arginine, an amino acid with highly similar properties. This amino acid position is well conserved in available vertebrate species. In addition, this alteration is predicted to be tolerated by in silico analysis. Since supporting evidence is limited at this time, the clinical significance of this alteration remains unclear.

Labcorp Genetics (formerly Invitae), Labcorp
Classification: Uncertain significance for Dilated cardiomyopathy 1JJ. Last evaluated: 2020-03-28. Review status: criteria provided, single submitter. Criteria: Invitae Variant Classification Sherloc (09022015). Collection method: clinical testing. Allele origin: germline.
Comment: In summary, the available evidence is currently insufficient to determine the role of this variant in disease. Therefore, it has been classified as a Variant of Uncertain Significance. Algorithms developed to predict the effect of missense changes on protein structure and function output the following: SIFT: "Tolerated"; PolyPhen-2: "Benign"; Align-GVGD: "Class C0". The arginine amino acid residue is found in multiple mammalian species, suggesting that this missense change does not adversely affect protein function. These predictions have not been confirmed by published functional studies and their clinical significance is uncertain. This variant has not been reported in the literature in individuals with LAMA4-related conditions. This variant is present in population databases (rs370001919, ExAC 0.01%). This sequence change replaces lysine with arginine at codon 112 of the LAMA4 protein (p.Lys112Arg). The lysine residue is moderately conserved and there is a small physicochemical difference between lysine and arginine.

NM_001105206.3(LAMA4):c.335A>G (p.Lys112Arg)

Gene: LAMA4 (laminin subunit alpha 4; minus strand). Cytogenetic location: 6q21.
Variant type: single nucleotide variant.
Coding change: c.335A>G on transcript NM_001105206.3 (MANE Select); coding-DNA position 335, A replaced by G.
Protein change: p.Lys112Arg; replaces lysine 112 with arginine.
Molecular consequence: missense variant.
Genome position (GRCh38, 1-based): chr6:112,207,108, T>C on the plus strand (A>G on the coding strand, the complement: LAMA4 is on the minus strand). VCF-style: chr6-112207108-T-C. GRCh37 (hg19) VCF-style: chr6-112528309-T-C.
Other names: c.335A>G, p.Lys112Arg (NM_001105207.3, NM_002290.5); short protein forms K112R.
Identifiers: ClinVar variation 837675 (VCV000837675.11), dbSNP rs370001919, ClinGen allele CA3966195.